The following is an entry in ClinVar:

ClinVar aggregate classification (germline): Uncertain significance (1 of 4 stars; one submission).

Allele frequency attached by ClinVar (database versions not stated): gnomAD exomes below 0.00001; TOPMed below 0.00001.
gnomAD v4.1: 3 of 1,613,936 alleles (0.00019%); highest among the groups gnomAD compares: African/African-American, 0.0013%; no homozygotes.

Submission:

Labcorp Genetics (formerly Invitae), Labcorp
Classification: Uncertain significance. Last evaluated: 2022-06-22. Review status: criteria provided, single submitter. Criteria: Invitae Variant Classification Sherloc (09022015). Collection method: clinical testing. Allele origin: germline.
Comment: This sequence change replaces proline, which is neutral and non-polar, with serine, which is neutral and polar, at codon 1391 of the CDK13 protein (p.Pro1391Ser). This variant is not present in population databases (gnomAD no frequency). This variant has not been reported in the literature in individuals affected with CDK13-related conditions. Advanced modeling of protein sequence and biophysical properties (such as structural, functional, and spatial information, amino acid conservation, physicochemical variation, residue mobility, and thermodynamic stability) performed at Invitae indicates that this missense variant is not expected to disrupt CDK13 protein function. In summary, the available evidence is currently insufficient to determine the role of this variant in disease. Therefore, it has been classified as a Variant of Uncertain Significance.

NM_003718.5(CDK13):c.4171C>T (p.Pro1391Ser)

Gene: CDK13 (cyclin dependent kinase 13; plus strand). Cytogenetic location: 7p14.1.
Variant type: single nucleotide variant.
Coding change: c.4171C>T on transcript NM_003718.5 (MANE Select); coding-DNA position 4171, C replaced by T.
Protein change: p.Pro1391Ser; replaces proline 1391 with serine.
Molecular consequence: missense variant.
Genome position (GRCh38, 1-based): chr7:40,094,612, C>T. VCF-style: chr7-40094612-C-T. GRCh37 (hg19) VCF-style: chr7-40134211-C-T.
Other names: c.3991C>T, p.Pro1331Ser (NM_031267.4); short protein forms P1331S, P1391S.
Identifiers: ClinVar variation 1927974 (VCV001927974.5), dbSNP rs1787004534, ClinGen allele CA367296589.